The following is an entry in ClinVar:

NM_001267550.2(TTN):c.9449G>A (p.Arg3150Gln)

Gene: TTN (titin; minus strand). Cytogenetic location: 2q31.2.
Variant type: single nucleotide variant.
Coding change: c.9449G>A on transcript NM_001267550.2 (MANE Select); coding-DNA position 9449, G replaced by A.
Protein change: p.Arg3150Gln; replaces arginine 3150 with glutamine.
Molecular consequence: missense variant.
Genome position (GRCh38, 1-based): chr2:178,767,781, C>T on the plus strand (G>A on the coding strand, the complement: TTN is on the minus strand). VCF-style: chr2-178767781-C-T. GRCh37 (hg19) VCF-style: chr2-179632508-C-T.
Other names: c.9449G>A, p.Arg3150Gln (NM_001256850.1, NM_133379.5, NM_133378.4); c.9311G>A, p.Arg3104Gln (NM_003319.4, NM_133432.3, NM_133437.4); short protein forms R3150Q, R3104Q.
Identifiers: ClinVar variation 229563 (VCV000229563.30), dbSNP rs141093658, ClinGen allele CA2004335.

ClinVar aggregate classification (germline): Conflicting classifications of pathogenicity. Review status: criteria provided, conflicting classifications (1 of 4 stars). 4 submissions from 4 submitters: Uncertain significance (3); Likely benign (1). Last evaluated 2024-07-30.

Conditions:
Autosomal recessive limb-girdle muscular dystrophy type 2J (LGMDR10). Also called: Limb-girdle muscular dystrophy, type 2J; MUSCULAR DYSTROPHY, LIMB-GIRDLE, AUTOSOMAL RECESSIVE 10. Identifiers: Orphanet 140922, MedGen C1837342, MONDO:0012127, OMIM 608807.
Dilated cardiomyopathy 1G (CMD1G). Identifiers: Orphanet 154, MedGen C1858763, MONDO:0011400, OMIM 604145.

Allele frequency attached by ClinVar (database versions not stated): gnomAD 0.00001; ExAC 0.00002; gnomAD exomes 0.00002; TOPMed 0.00002; ESP Exome Variant Server 0.00008.
gnomAD v4.1: 40 of 1,614,000 alleles (0.0025%); highest among the groups gnomAD compares: African/African-American, 0.004%; no homozygotes.

Submissions (4):

Blueprint Genetics
Classification: Likely benign. Last evaluated: 2024-07-30. Review status: criteria provided, single submitter. Criteria: ACMG Guidelines, 2015. Collection method: clinical testing. Allele origin: germline.

CeGaT Center for Human Genetics Tuebingen
Classification: Uncertain significance. Last evaluated: 2024-02-01. Review status: criteria provided, single submitter. Criteria: CeGaT Center For Human Genetics Tuebingen Variant Classification Criteria Version 2. Collection method: clinical testing. Allele origin: germline. Affected: yes. Observed: 1 variant allele.
Comment: TTN: PM2, BP4

Labcorp Genetics (formerly Invitae), Labcorp
Classification: Uncertain significance for Dilated cardiomyopathy 1G; Autosomal recessive limb-girdle muscular dystrophy type 2J. Last evaluated: 2017-07-14. Review status: criteria provided, single submitter. Criteria: Invitae Variant Classification Sherloc (09022015). Collection method: clinical testing. Allele origin: germline.

Laboratory for Molecular Medicine, Mass General Brigham Personalized Medicine
Classification: Uncertain significance. Last evaluated: 2015-04-23. Review status: criteria provided, single submitter. Criteria: LMM Criteria. Collection method: clinical testing. Allele origin: germline. Observed: 1 variant allele.
Comment: The p.Arg3150Gln variant in TTN has not been previously reported in individuals with cardiomyopathy but has been identified in 2/66696 European chromosomes by t he Exome Aggregation Consortium (ExAC). Computat ional prediction tools and conservation analysis do not provide strong support f or or against an impact to the protein. In summary, the clinical significance of the p.Arg3150Gln variant is uncertain.